The following is an entry in ClinVar:

ClinVar aggregate classification (germline): Likely benign (1 of 4 stars; one submission).

Allele frequency attached by ClinVar (database versions not stated): gnomAD exomes below 0.00001.
gnomAD v4.1: 1 of 1,613,822 alleles (0.000062%); highest among the groups gnomAD compares: African/African-American, 0.0013%; no homozygotes.

Submission:

CeGaT Center for Human Genetics Tuebingen
Classification: Likely benign. Last evaluated: 2022-07-01. Review status: criteria provided, single submitter. Criteria: CeGaT Center For Human Genetics Tuebingen Variant Classification Criteria Version 2. Collection method: clinical testing. Allele origin: germline. Affected: yes. Observed: 1 variant allele.
Comment: DOCK6: BP4, BP7

NM_020812.4(DOCK6):c.5424G>A (p.Val1808=)

Gene: DOCK6 (dedicator of cytokinesis 6; minus strand). Cytogenetic location: 19p13.2.
Variant type: single nucleotide variant.
Coding change: c.5424G>A on transcript NM_020812.4 (MANE Select); coding-DNA position 5424, G replaced by A.
Protein change: p.Val1808=; no amino-acid change (valine 1808 retained).
Molecular consequence: synonymous variant.
Genome position (GRCh38, 1-based): chr19:11,202,421, C>T on the plus strand (G>A on the coding strand, the complement: DOCK6 is on the minus strand). VCF-style: chr19-11202421-C-T. GRCh37 (hg19) VCF-style: chr19-11313097-C-T.
Other names: c.5529G>A, p.Val1843= (NM_001367830.1).
Identifiers: ClinVar variation 2649314 (VCV002649314.24), dbSNP rs1356727054, ClinGen allele CA505745949.